The following is an entry in ClinVar:

NM_001286445.3(RIPOR2):c.577G>T (p.Ala193Ser)

Gene: RIPOR2 (RHO family interacting cell polarization regulator 2; minus strand). Cytogenetic location: 6p22.3.
Variant type: single nucleotide variant.
Coding change: c.577G>T on transcript NM_001286445.3 (MANE Select); coding-DNA position 577, G replaced by T.
Protein change: p.Ala193Ser; replaces alanine 193 with serine.
Molecular consequence: missense variant.
Genome position (GRCh38, 1-based): chr6:24,865,375, C>A on the plus strand (G>T on the coding strand, the complement: RIPOR2 is on the minus strand). VCF-style: chr6-24865375-C-A. GRCh37 (hg19) VCF-style: chr6-24865603-C-A.
Other names: c.592G>T, p.Ala198Ser (NM_001286446.3); c.490G>T, p.Ala164Ser (NM_001286447.2, NM_001346031.2, NM_001346032.2 and 2 more transcripts); short protein forms A164S, A193S, A198S.
Identifiers: ClinVar variation 3661820 (VCV003661820.2).

ClinVar aggregate classification (germline): Uncertain significance (1 of 4 stars; one submission).

gnomAD v4.1: 3 of 1,613,258 alleles (0.00019%); highest among the groups gnomAD compares: African/African-American, 0.0013%; no homozygotes.

Submission:

Labcorp Genetics (formerly Invitae), Labcorp
Classification: Uncertain significance. Last evaluated: 2024-08-08. Review status: criteria provided, single submitter. Criteria: Invitae Variant Classification Sherloc (09022015). Collection method: clinical testing. Allele origin: germline.
Comment: This sequence change replaces alanine, which is neutral and non-polar, with serine, which is neutral and polar, at codon 164 of the FAM65B protein (p.Ala164Ser). This variant is not present in population databases (gnomAD no frequency). This variant has not been reported in the literature in individuals affected with FAM65B-related conditions. An algorithm developed to predict the effect of missense changes on protein structure and function (PolyPhen-2) suggests that this variant is likely to be tolerated. In summary, the available evidence is currently insufficient to determine the role of this variant in disease. Therefore, it has been classified as a Variant of Uncertain Significance.